The following is an entry in ClinVar:

NM_001082486.2(ACD):c.833C>T (p.Thr278Ile)

Gene: ACD (ACD shelterin complex subunit and telomerase recruitment factor; minus strand). Cytogenetic location: 16q22.1.
Variant type: single nucleotide variant.
Coding change: c.833C>T on transcript NM_001082486.2 (MANE Select); coding-DNA position 833, C replaced by T.
Protein change: p.Thr278Ile; replaces threonine 278 with isoleucine.
Molecular consequence: missense variant.
Genome position (GRCh38, 1-based): chr16:67,658,359, G>A on the plus strand (C>T on the coding strand, the complement: ACD is on the minus strand). VCF-style: chr16-67658359-G-A. GRCh37 (hg19) VCF-style: chr16-67692262-G-A.
Other names: c.746C>T, p.Thr249Ile (NM_001410884.1); c.824C>T, p.Thr275Ile (NM_022914.3); short protein forms T275I, T278I, T249I.
Identifiers: ClinVar variation 1789442 (VCV001789442.5), dbSNP rs2052918579, ClinGen allele CA396353050.
Genomic context (GRCh38, chr16:67,658,359, plus strand): 5'-GGCAGAAGGCTGATGCTGGTACCACTTTCCTCGGATGACATGTGGCCGGGTAAGGCCGGG[G>A]TTCCTGAGGAGGAGGGGACTTATTGTAGGCACAGCCCTCTCCGCTCAGGGCAGCTGAGTG-3'
Protein context (NP_001075955.2, residues 268-288): SPPSSPSSSG[Thr278Ile]PALPGHMSSE

ClinVar aggregate classification (germline): Uncertain significance. Review status: criteria provided, multiple submitters, no conflicts (2 of 4 stars). 2 submissions from 2 submitters: Uncertain significance (2). Last evaluated 2025-03-18.

Conditions:
Dyskeratosis congenita, autosomal dominant 6 (DKCA6). Identifiers: Orphanet 3322, MedGen C4225284, MONDO:0014690, OMIM 616553.
Inborn genetic diseases. Identifiers: MedGen C0950123, MeSH D030342.

Allele frequency attached by ClinVar (database versions not stated): gnomAD exomes below 0.00001.
gnomAD v4.1: 1 of 1,613,668 alleles (0.000062%); highest among the groups gnomAD compares: South Asian, 0.0011%; no homozygotes.

Submissions (2):

Labcorp Genetics (formerly Invitae), Labcorp
Classification: Uncertain significance for Dyskeratosis congenita, autosomal dominant 6. Last evaluated: 2025-03-18. Review status: criteria provided, single submitter. Criteria: Invitae Variant Classification Sherloc (09022015). Collection method: clinical testing. Allele origin: germline.
Comment: This sequence change replaces threonine, which is neutral and polar, with isoleucine, which is neutral and non-polar, at codon 364 of the ACD protein (p.Thr364Ile). This variant is not present in population databases (gnomAD no frequency). This variant has not been reported in the literature in individuals affected with ACD-related conditions. ClinVar contains an entry for this variant (Variation ID: 1789442). Invitae Evidence Modeling of protein sequence and biophysical properties (such as structural, functional, and spatial information, amino acid conservation, physicochemical variation, residue mobility, and thermodynamic stability) indicates that this missense variant is expected to disrupt ACD protein function with a positive predictive value of 80%. In summary, the available evidence is currently insufficient to determine the role of this variant in disease. Therefore, it has been classified as a Variant of Uncertain Significance.

Ambry Genetics
Classification: Uncertain significance for Inborn genetic diseases. Last evaluated: 2022-05-07. Review status: criteria provided, single submitter. Criteria: Ambry Variant Classification Scheme 2023. Collection method: clinical testing. Allele origin: germline.
Comment: The p.T364I variant (also known as c.1091C>T), located in coding exon 10 of the ACD gene, results from a C to T substitution at nucleotide position 1091. The threonine at codon 364 is replaced by isoleucine, an amino acid with similar properties. This amino acid position is conserved. In addition, this alteration is predicted to be tolerated by in silico analysis. Since supporting evidence is limited at this time, the clinical significance of this alteration remains unclear.